The following is an entry in ClinVar:

NM_001903.5(CTNNA1):c.2546T>C (p.Met849Thr)

Gene: CTNNA1 (catenin alpha 1; plus strand). Cytogenetic location: 5q31.2.
Variant type: single nucleotide variant.
Coding change: c.2546T>C on transcript NM_001903.5 (MANE Select); coding-DNA position 2546, T replaced by C.
Protein change: p.Met849Thr; replaces methionine 849 with threonine.
Molecular consequence: missense variant. On other transcripts: 3 prime UTR variant (5).
Genome position (GRCh38, 1-based): chr5:138,933,914, T>C. VCF-style: chr5-138933914-T-C. GRCh37 (hg19) VCF-style: chr5-138269603-T-C.
Other names: c.1436T>C, p.Met479Thr (NM_001290312.1, NM_001323987.1, NM_001323988.1 and 12 more transcripts); c.2546T>C, p.Met849Thr (NM_001323982.2, NM_001323983.1, NM_001323984.2); c.2519T>C, p.Met840Thr (NM_001323985.2); c.2453T>C, p.Met818Thr (NM_001323986.2); c.1301T>C, p.Met434Thr (NM_001324001.1); c.*91T>C (NM_001324002.1, NM_001324003.1, NM_001324004.1 and 2 more transcripts); c.1097T>C, p.Met366Thr (NM_001324006.1, NM_001324007.1, NM_001324008.1 and 2 more transcripts); c.1343T>C, p.Met448Thr (NM_001324011.1); and 4 more; short protein forms M366T, M398T, M818T, M479T, M448T, M726T, M434T, M746T.
Identifiers: ClinVar variation 2815966 (VCV002815966.4), dbSNP rs1274447948, ClinGen allele CA361135432.

ClinVar aggregate classification (germline): Uncertain significance. Review status: criteria provided, multiple submitters, no conflicts (2 of 4 stars). 2 submissions from 2 submitters: Uncertain significance (2). Last evaluated 2026-04-11.

Conditions:
Hereditary cancer-predisposing syndrome. Also called: Tumor predisposition; Hereditary neoplastic syndrome; Neoplastic Syndromes, Hereditary; Hereditary Cancer Syndrome. Identifiers: Orphanet 140162, MedGen C0027672, MeSH D009386, MONDO:0015356.

Allele frequency attached by ClinVar (database versions not stated): gnomAD 0.00001.
gnomAD v4.1: 1 of 1,613,322 alleles (0.000062%); highest among the groups gnomAD compares: African/African-American, 0.0013%; no homozygotes.

Submissions (2):

Ambry Genetics
Classification: Uncertain significance for Hereditary cancer-predisposing syndrome. Last evaluated: 2026-04-11. Review status: criteria provided, single submitter. Criteria: Ambry Variant Classification Scheme 2023. Collection method: clinical testing. Allele origin: germline.
Comment: The p.M849T variant (also known as c.2546T>C), located in coding exon 17 of the CTNNA1 gene, results from a T to C substitution at nucleotide position 2546. The methionine at codon 849 is replaced by threonine, an amino acid with similar properties. This amino acid position is conserved. In addition, this alteration is predicted to be tolerated by in silico analysis. Based on the available evidence, the clinical significance of this variant remains unclear.

Labcorp Genetics (formerly Invitae), Labcorp
Classification: Uncertain significance. Last evaluated: 2023-02-02. Review status: criteria provided, single submitter. Criteria: Invitae Variant Classification Sherloc (09022015). Collection method: clinical testing. Allele origin: germline.
Comment: This sequence change replaces methionine, which is neutral and non-polar, with threonine, which is neutral and polar, at codon 849 of the CTNNA1 protein (p.Met849Thr). This variant is present in population databases (no rsID available, gnomAD 0.01%). This variant has not been reported in the literature in individuals affected with CTNNA1-related conditions. Advanced modeling of protein sequence and biophysical properties (such as structural, functional, and spatial information, amino acid conservation, physicochemical variation, residue mobility, and thermodynamic stability) performed at Invitae indicates that this missense variant is not expected to disrupt CTNNA1 protein function. In summary, the available evidence is currently insufficient to determine the role of this variant in disease. Therefore, it has been classified as a Variant of Uncertain Significance.